The following is an entry in ClinVar:

ClinVar aggregate classification (germline): Conflicting classifications of pathogenicity. Review status: criteria provided, conflicting classifications (1 of 4 stars). 18 submissions from 14 submitters: Uncertain significance (9); Benign (2); Likely benign (2). 5 of the submissions do not count toward it. Last evaluated 2026-03-01.

Conditions:
Autosomal recessive limb-girdle muscular dystrophy type 2J (LGMDR10). Also called: Limb-girdle muscular dystrophy, type 2J; MUSCULAR DYSTROPHY, LIMB-GIRDLE, AUTOSOMAL RECESSIVE 10. Identifiers: Orphanet 140922, MedGen C1837342, MONDO:0012127, OMIM 608807.
Dilated cardiomyopathy 1G (CMD1G). Identifiers: Orphanet 154, MedGen C1858763, MONDO:0011400, OMIM 604145.
Cardiovascular phenotype. Identifiers: MedGen CN230736.
Early-onset myopathy with fatal cardiomyopathy (CMYO5). Also called: Salih Myopathy; CONGENITAL MYOPATHY 5 WITH CARDIOMYOPATHY. Identifiers: Orphanet 289377, MedGen C2673677, MONDO:0012714, OMIM 611705. Disease mechanism: loss of function.
Myopathy, myofibrillar, 9, with early respiratory failure (MFM9). Also called: EDSTROM MYOPATHY; MYOPATHY, PROXIMAL, WITH EARLY RESPIRATORY MUSCLE INVOLVEMENT; Myopathy, distal, with early respiratory failure, autosomal dominant; Hereditary myopathy with early respiratory failure. Identifiers: Orphanet 178464, Orphanet 34521, MedGen C1863599, MONDO:0011362, OMIM 603689.
Tibial muscular dystrophy (TMD). Also called: Tibial muscular dystrophy, tardive; UDD MYOPATHY; Udd Distal Myopathy – Tibial Muscular Dystrophy. Identifiers: Orphanet 609, MedGen C1838244, MONDO:0010870, OMIM 600334.
Hypertrophic cardiomyopathy 9. Also called: Familial hypertrophic cardiomyopathy 9. Identifiers: MedGen C1861065, MONDO:0013412, OMIM 613765.

Allele frequency attached by ClinVar (database versions not stated): ESP Exome Variant Server 0.00008; TOPMed 0.00011; gnomAD exomes 0.00017 and 0.00021; ExAC 0.00022; gnomAD 0.00029 and 0.00031.
gnomAD v4.1: 297 of 1,613,098 alleles (0.018%); highest among the groups gnomAD compares: Non-Finnish European, 0.022%; no homozygotes.

Submissions (18):

CeGaT Center for Human Genetics Tuebingen
Classification: Uncertain significance. Last evaluated: 2026-03-01. Review status: criteria provided, single submitter. Criteria: CeGaT Center For Human Genetics Tuebingen Variant Classification Criteria Version 2. Collection method: clinical testing. Allele origin: germline. Affected: yes. Observed: 2 variant alleles.

Molecular Diagnostic Laboratory for Inherited Cardiovascular Disease, Montreal Heart Institute
Classification: Likely benign. Last evaluated: 2025-04-09. Review status: criteria provided, single submitter. Criteria: ACMG Guidelines, 2015. Collection method: clinical testing. Allele origin: germline. Affected: no.

Blueprint Genetics
Classification: Likely benign. Last evaluated: 2024-10-17. Review status: criteria provided, single submitter. Criteria: ACMG Guidelines, 2015. Collection method: clinical testing. Allele origin: germline.

Revvity Omics, Revvity
Classification: Uncertain significance. Last evaluated: 2020-12-31. Review status: criteria provided, single submitter. Criteria: ACMG Guidelines, 2015. Collection method: clinical testing. Allele origin: germline.

Ambry Genetics
Classification: Uncertain significance for Cardiovascular phenotype. Last evaluated: 2020-02-07. Review status: criteria provided, single submitter. Criteria: Ambry Variant Classification Scheme 2023. Collection method: clinical testing. Allele origin: germline.
Comment: The p.I8655T variant (also known as c.25964T>C), located in coding exon 104 of the TTN gene, results from a T to C substitution at nucleotide position 25964. The isoleucine at codon 8655 is replaced by threonine, an amino acid with similar properties. This amino acid position is well conserved in available vertebrate species. In addition, the in silico prediction for this alteration is inconclusive. Since supporting evidence is limited at this time, the clinical significance of this alteration remains unclear.

Fulgent Genetics
Classification: Uncertain significance for Tibial muscular dystrophy; Myopathy, myofibrillar, 9, with early respiratory failure; Dilated cardiomyopathy 1G; Autosomal recessive limb-girdle muscular dystrophy type 2J; Early-onset myopathy with fatal cardiomyopathy; Hypertrophic cardiomyopathy 9. Last evaluated: 2018-10-31. Review status: criteria provided, single submitter. Criteria: ACMG Guidelines, 2015. Collection method: clinical testing. Allele origin: unknown.

Illumina Laboratory Services, Illumina
Classification: Benign for Tibial muscular dystrophy. Last evaluated: 2018-01-13. Review status: criteria provided, single submitter. Criteria: ICSL Variant Classification Criteria 13 December 2019. Collection method: clinical testing. Allele origin: germline.
Comment: This variant was observed in the ICSL laboratory as part of a predisposition screen in an ostensibly healthy population. It had not been previously curated by ICSL or reported in the Human Gene Mutation Database (HGMD: prior to June 1st, 2018), and was therefore a candidate for classification through an automated scoring system. Utilizing variant allele frequency, disease prevalence and penetrance estimates, and inheritance mode, an automated score was calculated to assess if this variant is too frequent to cause the disease. Based on the score and internal cut-off values, a variant classified as benign is not then subjected to further curation. The score for this variant resulted in a classification of benign for this disease.

Illumina Laboratory Services, Illumina
Classification: Uncertain significance for Early-onset myopathy with fatal cardiomyopathy. Last evaluated: 2018-01-13. Review status: criteria provided, single submitter. Criteria: ICSL Variant Classification Criteria 13 December 2019. Collection method: clinical testing. Allele origin: germline.

Illumina Laboratory Services, Illumina
Classification: Uncertain significance for Dilated cardiomyopathy 1G. Last evaluated: 2018-01-13. Review status: criteria provided, single submitter. Criteria: ICSL Variant Classification Criteria 13 December 2019. Collection method: clinical testing. Allele origin: germline.

Illumina Laboratory Services, Illumina
Classification: Benign for Myopathy, myofibrillar, 9, with early respiratory failure. Last evaluated: 2018-01-13. Review status: criteria provided, single submitter. Criteria: ICSL Variant Classification Criteria 13 December 2019. Collection method: clinical testing. Allele origin: germline.
Comment: the same text as in the submission from Illumina Laboratory Services, Illumina above.

Illumina Laboratory Services, Illumina
Classification: Uncertain significance for Autosomal recessive limb-girdle muscular dystrophy type 2J. Last evaluated: 2018-01-13. Review status: criteria provided, single submitter. Criteria: ICSL Variant Classification Criteria 13 December 2019. Collection method: clinical testing. Allele origin: germline.

Labcorp Genetics (formerly Invitae), Labcorp
Classification: Uncertain significance for Dilated cardiomyopathy 1G; Autosomal recessive limb-girdle muscular dystrophy type 2J. Last evaluated: 2017-10-27. Review status: criteria provided, single submitter. Criteria: Invitae Variant Classification Sherloc (09022015). Collection method: clinical testing. Allele origin: germline.

Eurofins Ntd Llc (ga)
Classification: Uncertain significance. Last evaluated: 2017-03-13. Review status: criteria provided, single submitter. Criteria: EGL Classification Definitions 2015. Collection method: clinical testing. Allele origin: germline. Observed: 1 variant allele, 1 heterozygote.

GeneDx
No classification provided. Last evaluated: 2014-11-20. Review status: no classification provided. Criteria: GeneDx Variant Classification (06012015). Collection method: clinical testing. Allele origin: germline. Affected: yes. Not counted in ClinVar's aggregate classification.
Comment: Missense variants in the TTN gene are considered 'unclassified' if they are not previously reported in the literature and do not have >1% frequency in the population to be considered a polymorphism. Research indicates that truncating mutations in the TTN gene are expected to account for approximately 25% of familial and 18% of sporadic idiopathic DCM; however, truncating variants in the TTN gene have been reported in approximately 3% of reported control alleles. There has been little investigation into non-truncating variants. (Herman D et al. Truncations of titin causing dilated cardiomyopathy. N Eng J Med 366:619-628, 2012) The variant is found in CARDIOMYOPATHY panel(s).

Clinical Genetics, Academic Medical Center
Classification: Uncertain significance. Review status: no assertion criteria provided. Collection method: clinical testing. Allele origin: germline. Affected: yes. Study: VKGL Data-share Consensus. Not counted in ClinVar's aggregate classification.

Diagnostic Laboratory, Department of Genetics, University Medical Center Groningen
Classification: Uncertain significance. Review status: no assertion criteria provided. Collection method: clinical testing. Allele origin: germline. Affected: yes. Study: VKGL Data-share Consensus. Not counted in ClinVar's aggregate classification.

Genome Diagnostics Laboratory, Amsterdam University Medical Center
Classification: Uncertain significance. Review status: no assertion criteria provided. Collection method: clinical testing. Allele origin: germline. Affected: yes. Study: VKGL Data-share Consensus. Not counted in ClinVar's aggregate classification.

Joint Genome Diagnostic Labs from Nijmegen and Maastricht, Radboudumc and MUMC+
Classification: Uncertain significance. Review status: no assertion criteria provided. Collection method: clinical testing. Allele origin: germline. Affected: yes. Study: VKGL Data-share Consensus. Not counted in ClinVar's aggregate classification.

NM_001267550.2(TTN):c.53159T>C (p.Ile17720Thr)

Genes: TTN (titin; minus strand), TTN-AS1 (TTN antisense RNA 1; plus strand), LOC126806425 (BRD4-independent group 4 enhancer GRCh37_chr2:179471933-179473132; plus strand). Cytogenetic location: 2q31.2.
Variant type: single nucleotide variant.
Coding change: c.53159T>C on transcript NM_001267550.2 (MANE Select); coding-DNA position 53159, T replaced by C.
Protein change: p.Ile17720Thr; replaces isoleucine 17720 with threonine.
Molecular consequence: missense variant.
Genome position (GRCh38, 1-based): chr2:178,607,529, A>G on the plus strand (T>C on the coding strand, the complement: TTN is on the minus strand). VCF-style: chr2-178607529-A-G. GRCh37 (hg19) VCF-style: chr2-179472256-A-G.
Other names: p.I16079T:ATA>ACA; c.48236T>C, p.Ile16079Thr (NM_001256850.1); c.25964T>C, p.Ile8655Thr (NM_003319.4); c.45455T>C, p.Ile15152Thr (NM_133378.4); c.26339T>C, p.Ile8780Thr (NM_133432.3); c.26540T>C, p.Ile8847Thr (NM_133437.4); short protein forms I16079T, I17720T, I15152T, I8655T, I8780T, I8847T.
Identifiers: ClinVar variation 202708 (VCV000202708.33), dbSNP rs201358641, ClinGen allele CA310046.